The following is an entry in ClinVar:

ClinVar aggregate classification (germline): Likely benign (1 of 4 stars; one submission).

Conditions:
Hypomyelination and Congenital Cataract (HLD5). Also called: hypomyelinating leukodystrophy 5. Identifiers: Orphanet 85163, MedGen C1864663, MONDO:0012514, OMIM 610532.

Allele frequency attached by ClinVar (database versions not stated): 1000 Genomes Project 0.00100; 1000 Genomes Project 30x 0.00125; TOPMed 0.00221; gnomAD 0.00242 and 0.00251.

Submission:

Illumina Laboratory Services, Illumina
Classification: Likely benign for Hypomyelination and Congenital Cataract. Last evaluated: 2018-01-13. Review status: criteria provided, single submitter. Criteria: ICSL Variant Classification Criteria 13 December 2019. Collection method: clinical testing. Allele origin: germline.
Comment: This variant was observed in the ICSL laboratory as part of a predisposition screen in an ostensibly healthy population. It had not been previously curated by ICSL or reported in the Human Gene Mutation Database (HGMD: prior to June 1st, 2018), and was therefore a candidate for classification through an automated scoring system. Utilizing variant allele frequency, disease prevalence and penetrance estimates, and inheritance mode, an automated score was calculated to assess if this variant is too frequent to cause the disease. Based on the score and internal cut-off values, a variant classified as likely benign is not then subjected to further curation. The score for this variant resulted in a classification of likely benign for this disease.

NM_032581.4(HYCC1):c.*2198A>G

Gene: HYCC1 (hyccin PI4KA lipid kinase complex subunit 1; minus strand). Cytogenetic location: 7p15.3.
Variant type: single nucleotide variant.
Coding change: c.*2198A>G on transcript NM_032581.4 (MANE Select); 2198 bases downstream of the stop codon, A replaced by G.
Molecular consequence: 3 prime UTR variant.
Genome position (GRCh38, 1-based): chr7:22,943,391, T>C on the plus strand (A>G on the coding strand, the complement: HYCC1 is on the minus strand). VCF-style: chr7-22943391-T-C. GRCh37 (hg19) VCF-style: chr7-22983010-T-C.
Other names: c.*2800A>G (NM_001363466.2); c.*2758A>G (NM_001363467.2).
Identifiers: ClinVar variation 359733 (VCV000359733.5), dbSNP rs186923912, ClinGen allele CA10628757.